The following is an entry in ClinVar:

ClinVar aggregate classification (germline): Uncertain significance (1 of 4 stars; one submission).

Conditions:
Pulmonary fibrosis and/or bone marrow failure, Telomere-related, 3. Also called: PULMONARY FIBROSIS AND/OR BONE MARROW FAILURE SYNDROME, TELOMERE-RELATED, 3. Identifiers: Orphanet 2032, MedGen C4225346, MONDO:0014613, OMIM 616373.
Dyskeratosis congenita, autosomal recessive 5 (DKCB5). Identifiers: MedGen C3554656, MONDO:0014076, OMIM 615190.

Submission:

Labcorp Genetics (formerly Invitae), Labcorp
Classification: Uncertain significance for Dyskeratosis congenita, autosomal recessive 5; Pulmonary fibrosis and/or bone marrow failure, Telomere-related, 3. Last evaluated: 2022-05-29. Review status: criteria provided, single submitter. Criteria: Invitae Variant Classification Sherloc (09022015). Collection method: clinical testing. Allele origin: germline.
Comment: This sequence change falls in intron 10 of the RTEL1 gene. It does not directly change the encoded amino acid sequence of the RTEL1 protein. It affects a nucleotide within the consensus splice site. This variant is not present in population databases (gnomAD no frequency). This variant has not been reported in the literature in individuals affected with RTEL1-related conditions. Variants that disrupt the consensus splice site are a relatively common cause of aberrant splicing (PMID: 17576681, 9536098). Algorithms developed to predict the effect of sequence changes on RNA splicing suggest that this variant may disrupt the consensus splice site. In summary, the available evidence is currently insufficient to determine the role of this variant in disease. Therefore, it has been classified as a Variant of Uncertain Significance.

Literature cited by the submitters: PubMed 17576681; PubMed 9536098.

NM_001283009.2(RTEL1):c.919+3G>T

Genes: RTEL1 (regulator of telomere elongation helicase 1; plus strand), RTEL1-TNFRSF6B (RTEL1-TNFRSF6B readthrough (NMD candidate); plus strand). Cytogenetic location: 20q13.33.
Variant type: single nucleotide variant.
Coding change: c.919+3G>T on transcript NM_001283009.2 (MANE Select); 3 bases into the intron after coding-DNA position 919, G replaced by T.
Molecular consequence: intron variant.
Genome position (GRCh38, 1-based): chr20:63,674,096, G>T. VCF-style: chr20-63674096-G-T. GRCh37 (hg19) VCF-style: chr20-62305449-G-T.
Other names: c.250+3G>T (NM_001283010.1); c.991+3G>T (NM_032957.5); c.919+3G>T (NM_016434.4).
Identifiers: ClinVar variation 2000671 (VCV002000671.1), dbSNP rs2517040339, ClinGen allele CA2580098440.